The following is an entry in ClinVar:

ClinVar aggregate classification (germline): Likely benign (1 of 4 stars; one submission).

Allele frequency attached by ClinVar (database versions not stated): gnomAD exomes below 0.00001.
gnomAD v4.1: 2 of 1,612,620 alleles (0.00012%); highest among the groups gnomAD compares: Non-Finnish European, 0.000085%; no homozygotes.

Submission:

GeneDx
Classification: Likely benign. Last evaluated: 2018-04-16. Review status: criteria provided, single submitter. Criteria: GeneDx Variant Classification (06012015). Collection method: clinical testing. Allele origin: germline. Affected: yes.
Comment: This variant is considered likely benign or benign based on one or more of the following criteria: it is a conservative change, it occurs at a poorly conserved position in the protein, it is predicted to be benign by multiple in silico algorithms, and/or has population frequency not consistent with disease.

NM_017617.5(NOTCH1):c.6607C>T (p.Leu2203=)

Gene: NOTCH1 (notch receptor 1; minus strand). Cytogenetic location: 9q34.3.
Variant type: single nucleotide variant.
Coding change: c.6607C>T on transcript NM_017617.5 (MANE Select); coding-DNA position 6607, C replaced by T.
Protein change: p.Leu2203=; no amino-acid change (leucine 2203 retained).
Molecular consequence: synonymous variant.
Genome position (GRCh38, 1-based): chr9:136,497,132, G>A on the plus strand (C>T on the coding strand, the complement: NOTCH1 is on the minus strand). VCF-style: chr9-136497132-G-A. GRCh37 (hg19) VCF-style: chr9-139391584-G-A.
Identifiers: ClinVar variation 681987 (VCV000681987.1), dbSNP rs1589053195, ClinGen allele CA467832220.